The following is an entry in ClinVar:

NM_001130145.3(YAP1):c.832C>T (p.Pro278Ser)

Gene: YAP1 (Yes1 associated transcriptional regulator; plus strand). Cytogenetic location: 11q22.1.
Variant type: single nucleotide variant.
Coding change: c.832C>T on transcript NM_001130145.3 (MANE Select); coding-DNA position 832, C replaced by T.
Protein change: p.Pro278Ser; replaces proline 278 with serine.
Molecular consequence: missense variant.
Genome position (GRCh38, 1-based): chr11:102,205,922, C>T. VCF-style: chr11-102205922-C-T. GRCh37 (hg19) VCF-style: chr11-102076653-C-T.
Other names: c.832C>T, p.Pro278Ser (NM_001195044.2, NM_001282100.2, NM_001282101.2); c.298C>T, p.Pro100Ser (NM_001195045.2); c.718C>T, p.Pro240Ser (NM_001282097.2, NM_001282098.2, NM_001282099.2 and 1 more transcripts); c.832C>T (NM_001130145.2); short protein forms P100S, P240S, P278S.
Identifiers: ClinVar variation 802714 (VCV000802714.8), dbSNP rs61746398, ClinGen allele CA6246340.

ClinVar aggregate classification (germline): Likely benign. Review status: criteria provided, multiple submitters, no conflicts (2 of 4 stars). 3 submissions from 3 submitters: Likely benign (2). 1 of the submissions does not count toward it. Last evaluated 2024-04-02.

Conditions:
Coloboma, ocular, with or without hearing impairment, cleft lip/palate, and/or impaired intellectual development. Also called: Uveal coloboma-cleft lip and palate-intellectual disability. Identifiers: Orphanet 1473, MedGen C3805432, MONDO:0007355, OMIM 120433.
YAP1-related disorder. Also called: YAP1-related condition.

Allele frequency attached by ClinVar (database versions not stated): ExAC 0.00058; 1000 Genomes Project 0.00060; gnomAD 0.00071 and 0.00072; gnomAD exomes 0.00054 and 0.00087; 1000 Genomes Project 30x 0.00078; TOPMed 0.00079; ESP Exome Variant Server 0.00054.
gnomAD v4.1: 1,341 of 1,601,064 alleles (0.084%); highest among the groups gnomAD compares: Admixed American, 0.12%; no homozygotes.

Submissions (3):

Labcorp Genetics (formerly Invitae), Labcorp
Classification: Likely benign. Last evaluated: 2024-04-02. Review status: criteria provided, single submitter. Criteria: Invitae Variant Classification Sherloc (09022015). Collection method: clinical testing. Allele origin: germline.

Mendelics
Classification: Likely benign for Coloboma, ocular, with or without hearing impairment, cleft lip/palate, and/or impaired intellectual development. Last evaluated: 2019-05-28. Review status: criteria provided, single submitter. Criteria: Mendelics Assertion Criteria 2017. Collection method: clinical testing. Allele origin: unknown.

PreventionGenetics, part of Exact Sciences
Classification: Likely benign for YAP1-related condition. Last evaluated: 2022-12-02. Review status: no assertion criteria provided. Collection method: clinical testing. Allele origin: germline. Not counted in ClinVar's aggregate classification.
Comment: This variant is classified as likely benign based on ACMG/AMP sequence variant interpretation guidelines (Richards et al. 2015 PMID: 25741868, with internal and published modifications).